The following is an entry in ClinVar:

ClinVar aggregate classification (germline): Uncertain significance (1 of 4 stars; one submission).

Conditions:
Elliptocytosis 1 (EL1). Also called: 4.1- TRAIT; 4.1-MINUS TRAIT; ELLIPTOCYTOSIS, RHESUS-LINKED TYPE; PROTEIN 4.1 OF ERYTHROCYTE MEMBRANE, DEFECT OF. Identifiers: Orphanet 288, MedGen C2678497, MONDO:0012731, OMIM 611804.

gnomAD v4.1: 3 of 1,609,236 alleles (0.00019%); highest among the groups gnomAD compares: Non-Finnish European, 0.00025%; no homozygotes.

Submission:

ARUP Laboratories, Molecular Genetics and Genomics, ARUP Laboratories
Classification: Uncertain significance for Elliptocytosis 1. Last evaluated: 2024-10-04. Review status: criteria provided, single submitter. Criteria: ARUP Molecular Germline Variant Investigation Process 2024. Collection method: clinical testing. Allele origin: germline.
Comment: The EPB41 c.1430T>C; p.Ile477Thr variant, to our knowledge, is not reported in the medical literature or gene specific databases. This variant is also absent from the Genome Aggregation Database (v2.1.1), indicating it is not a common polymorphism. Computational analyses are uncertain whether this variant is neutral or deleterious (REVEL: 0.172). Due to limited information, the clinical significance of this variant is uncertain at this time.

NM_001376013.1(EPB41):c.2156T>C (p.Ile719Thr)

Gene: EPB41 (erythrocyte membrane protein band 4.1; plus strand). Cytogenetic location: 1p35.3.
Variant type: single nucleotide variant.
Coding change: c.2156T>C on transcript NM_001376013.1 (MANE Select); coding-DNA position 2156, T replaced by C.
Protein change: p.Ile719Thr; replaces isoleucine 719 with threonine.
Molecular consequence: missense variant.
Genome position (GRCh38, 1-based): chr1:29,065,130, T>C. VCF-style: chr1-29065130-T-C. GRCh37 (hg19) VCF-style: chr1-29391642-T-C.
Other names: c.2156T>C, p.Ile719Thr (NM_001166005.2, NM_001376016.1, NM_001376017.1 and 1 more transcripts); c.2114T>C, p.Ile705Thr (NM_001166006.2); c.1367T>C, p.Ile456Thr (NM_001166007.2, NM_001376027.1); c.2051T>C, p.Ile684Thr (NM_001376014.1, NM_001376015.1); c.2153T>C, p.Ile718Thr (NM_001376018.1, NM_001376020.1); c.1994T>C, p.Ile665Thr (NM_001376021.1); c.1529T>C, p.Ile510Thr (NM_001376022.1, NM_001376023.1, NM_001376024.1 and 1 more transcripts); c.1421T>C, p.Ile474Thr (NM_001376026.1); and 4 more; short protein forms I455T, I456T, I474T, I477T, I496T, I510T, I630T, I665T.
Identifiers: ClinVar variation 3766874 (VCV003766874.1).